The following is an entry in ClinVar:

ClinVar aggregate classification (germline): Uncertain significance (1 of 4 stars; one submission).

Conditions:
BBS9-related disorder. Also called: BBS9-related condition.

Submission:

PreventionGenetics, part of Exact Sciences
Classification: Uncertain significance for BBS9-related condition. Last evaluated: 2024-11-15. Review status: criteria provided, single submitter. Criteria: ACMG Guidelines, 2015. Collection method: clinical testing. Allele origin: germline.
Comment: The BBS9 c.2219T>C variant is predicted to result in the amino acid substitution p.Leu740Pro. To our knowledge, this variant has not been reported in the literature or in a large population database (gnomAD), indicating this variant is rare. At this time, the clinical significance of this variant is uncertain due to the absence of conclusive functional and genetic evidence.

NM_198428.3(BBS9):c.2219T>C (p.Leu740Pro)

Gene: BBS9 (Bardet-Biedl syndrome 9; plus strand). Cytogenetic location: 7p14.3.
Variant type: single nucleotide variant.
Coding change: c.2219T>C on transcript NM_198428.3 (MANE Select); coding-DNA position 2219, T replaced by C.
Protein change: p.Leu740Pro; replaces leucine 740 with proline.
Molecular consequence: missense variant. On other transcripts: non-coding transcript variant (3), intron variant (1).
Genome position (GRCh38, 1-based): chr7:33,505,566, T>C. VCF-style: chr7-33505566-T-C. GRCh37 (hg19) VCF-style: chr7-33545178-T-C.
Other names: c.2114T>C, p.Leu705Pro (NM_001033604.2); c.2204T>C, p.Leu735Pro (NM_001033605.2); c.2219T>C, p.Leu740Pro (NM_001348036.1, NM_001348041.4, NM_001348043.3 and 1 more transcripts); c.1946T>C, p.Leu649Pro (NM_001348038.3); c.1841T>C, p.Leu614Pro (NM_001348039.3); c.2099T>C, p.Leu700Pro (NM_001348040.3, NM_014451.4); c.2084T>C, p.Leu695Pro (NM_001348042.3); c.1748T>C, p.Leu583Pro (NM_001348044.3); and 2 more; short protein forms L705P, L735P, L740P, L583P, L649P, L700P, L614P, L618P.
Identifiers: ClinVar variation 5002123 (VCV005002123.1).